The following is an entry in ClinVar:

ClinVar aggregate classification (germline): Conflicting classifications of pathogenicity. Review status: criteria provided, conflicting classifications (1 of 4 stars). 6 submissions from 6 submitters: Uncertain significance (1); Likely benign (4). 1 of the submissions does not count toward it. Last evaluated 2026-01-26.

Conditions:
Inborn genetic diseases. Identifiers: MedGen C0950123, MeSH D030342.
Charcot-Marie-Tooth disease type 4. Also called: Charcot-Marie-Tooth disease, type IV; Charcot-Marie-Tooth, Type 4. Identifiers: Orphanet 64749, MedGen C4082197, MONDO:0018995.
Charcot-Marie-Tooth disease. Also called: Charcot-Marie-Tooth Hereditary Neuropathy; Charcot-Marie-Tooth Neuropathy. Identifiers: Orphanet 166, MedGen C0007959, MONDO:0015626.
PRX-related disorder. Also called: PRX-Related Disorders; PRX-related condition.

Allele frequency attached by ClinVar (database versions not stated): ESP Exome Variant Server 0.00277; gnomAD exomes 0.00021 and 0.00054; ExAC 0.00089; gnomAD 0.00179 and 0.00193; 1000 Genomes Project 30x 0.00187; 1000 Genomes Project 0.00200; TOPMed 0.00201.

Submissions (6):

Labcorp Genetics (formerly Invitae), Labcorp
Classification: Likely benign for Charcot-Marie-Tooth disease type 4. Last evaluated: 2026-01-26. Review status: criteria provided, single submitter. Criteria: Invitae Variant Classification Sherloc (09022015). Collection method: clinical testing. Allele origin: germline.

CeGaT Center for Human Genetics Tuebingen
Classification: Likely benign. Last evaluated: 2022-09-01. Review status: criteria provided, single submitter. Criteria: CeGaT Center For Human Genetics Tuebingen Variant Classification Criteria Version 2. Collection method: clinical testing. Allele origin: germline. Affected: yes. Observed: 1 variant allele.
Comment: PRX: BS2

Ambry Genetics
Classification: Likely benign for Inborn genetic diseases. Last evaluated: 2021-07-20. Review status: criteria provided, single submitter. Criteria: Ambry Variant Classification Scheme 2023. Collection method: clinical testing. Allele origin: germline.

GeneDx
Classification: Uncertain significance. Last evaluated: 2016-12-19. Review status: criteria provided, single submitter. Criteria: GeneDx Variant Classification (06012015). Collection method: clinical testing. Allele origin: germline. Affected: yes.
Comment: A variant of uncertain significance has been identified in the PRX gene. The A149T variant has not been published as a pathogenic variant, nor has it been reported as a benign variant to our knowledge. The A149T variant is observed in 64/7,182 (0.9%) alleles from individuals of African background (Lek et al., 2016; 1000 Genomes Consortium et al., 2015; Exome Variant Server). The A149T variant is a non-conservative amino acid substitution, which is likely to impact secondary protein structure as these residues differ in polarity, charge, size and/or other properties. However, this substitution occurs at a position that is not conserved. In silico analysis is inconsistent in its predictions as to whether or not the variant is damaging to the protein structure/function. Therefore, based on the currently available information, it is unclear whether this variant is a pathogenic variant or a rare benign variant.

Molecular Genetics Laboratory, London Health Sciences Centre
Classification: Likely benign for Charcot-Marie-Tooth disease. Review status: criteria provided, single submitter. Criteria: ACMG Guidelines, 2015. Collection method: clinical testing. Allele origin: germline. Affected: yes.

PreventionGenetics, part of Exact Sciences
Classification: Likely benign for PRX-related condition. Last evaluated: 2024-02-09. Review status: no assertion criteria provided. Collection method: clinical testing. Allele origin: germline. Not counted in ClinVar's aggregate classification.
Comment: This variant is classified as likely benign based on ACMG/AMP sequence variant interpretation guidelines (Richards et al. 2015 PMID: 25741868, with internal and published modifications).

NM_181882.3(PRX):c.445G>A (p.Ala149Thr)

Gene: PRX (periaxin; minus strand). Cytogenetic location: 19q13.2.
Variant type: single nucleotide variant.
Coding change: c.445G>A on transcript NM_181882.3 (MANE Select); coding-DNA position 445, G replaced by A.
Protein change: p.Ala149Thr; replaces alanine 149 with threonine.
Molecular consequence: missense variant. On other transcripts: 3 prime UTR variant (1).
Genome position (GRCh38, 1-based): chr19:40,397,907, C>T on the plus strand (G>A on the coding strand, the complement: PRX is on the minus strand). VCF-style: chr19-40397907-C-T. GRCh37 (hg19) VCF-style: chr19-40903814-C-T.
Other names: c.*650G>A (NM_020956.2); short protein forms A149T.
Identifiers: ClinVar variation 386230 (VCV000386230.39), dbSNP rs142436391, ClinGen allele CA9444458.